The following is an entry in ClinVar:

NM_001039.4(SCNN1G):c.1947C>G (p.Leu649=)

Gene: SCNN1G (sodium channel epithelial 1 subunit gamma; plus strand). Cytogenetic location: 16p12.2.
Variant type: single nucleotide variant.
Coding change: c.1947C>G on transcript NM_001039.4 (MANE Select); coding-DNA position 1947, C replaced by G.
Protein change: p.Leu649=; no amino-acid change (leucine 649 retained).
Molecular consequence: synonymous variant.
Genome position (GRCh38, 1-based): chr16:23,215,466, C>G. VCF-style: chr16-23215466-C-G. GRCh37 (hg19) VCF-style: chr16-23226787-C-G.
Other names: p.Leu649=.
Identifiers: ClinVar variation 165177 (VCV000165177.30), dbSNP rs5723, ClinGen allele CA177894.

ClinVar aggregate classification (germline): Benign/Likely benign. Review status: criteria provided, multiple submitters, no conflicts (2 of 4 stars). 15 submissions from 12 submitters: Benign (12); Likely benign (1). 2 of the submissions do not count toward it. Last evaluated 2026-02-04.

Conditions:
Liddle syndrome 2. Identifiers: MedGen C4748251, MONDO:0020854, OMIM 618114.
Bronchiectasis with or without elevated sweat chloride 3 (BESC3). Identifiers: Orphanet 60033, MedGen C2751324, MONDO:0013112, OMIM 613071.
Pseudohypoaldosteronism, type IB1, autosomal recessive. Also called: Pseudohypoaldosteronism, Type I, Autosomal Recessive; Pseudohypoaldosteronism, Type I, Recessive; PHA I, AUTOSOMAL RECESSIVE; Autosomal recessive pseudohypoaldosteronism type 1. Identifiers: Orphanet 171876, Orphanet 756, MedGen C5774176, MONDO:0009917, OMIM 264350.

Allele frequency attached by ClinVar (database versions not stated): 1000 Genomes Project 0.15495; 1000 Genomes Project 30x 0.15506; gnomAD exomes 0.17416 and 0.20509; ExAC 0.17887; TOPMed 0.20673; gnomAD 0.21181 and 0.21902; ESP Exome Variant Server 0.23318.
gnomAD v4.1: 330,923 of 1,608,242 alleles (21%); highest among the groups gnomAD compares: African/African-American, 25%; 35,956 homozygotes.

Submissions (15):

Labcorp Genetics (formerly Invitae), Labcorp
Classification: Benign. Last evaluated: 2026-02-04. Review status: criteria provided, single submitter. Criteria: Invitae Variant Classification Sherloc (09022015). Collection method: clinical testing. Allele origin: germline.

Blueprint Genetics
Classification: Likely benign. Last evaluated: 2024-11-27. Review status: criteria provided, single submitter. Criteria: ACMG Guidelines, 2015. Collection method: clinical testing. Allele origin: germline.

Mayo Clinic Laboratories, Mayo Clinic
Classification: Benign. Last evaluated: 2022-03-09. Review status: criteria provided, single submitter. Criteria: ACMG Guidelines, 2015. Collection method: clinical testing. Allele origin: germline. Observed: 63 variant alleles.

Genome-Nilou Lab
Classification: Benign for Bronchiectasis with or without elevated sweat chloride 3. Last evaluated: 2021-07-15. Review status: criteria provided, single submitter. Criteria: ACMG Guidelines, 2015. Collection method: clinical testing. Allele origin: germline. Affected: no.

Genome-Nilou Lab
Classification: Benign for Liddle syndrome 2. Last evaluated: 2021-07-15. Review status: criteria provided, single submitter. Criteria: ACMG Guidelines, 2015. Collection method: clinical testing. Allele origin: germline. Affected: no.

Genome-Nilou Lab
Classification: Benign for Pseudohypoaldosteronism, type IB1, autosomal recessive. Last evaluated: 2021-07-15. Review status: criteria provided, single submitter. Criteria: ACMG Guidelines, 2015. Collection method: clinical testing. Allele origin: germline. Affected: no.

GeneDx
Classification: Benign. Last evaluated: 2019-11-22. Review status: criteria provided, single submitter. Criteria: GeneDx Variant Classification Process June 2021. Collection method: clinical testing. Allele origin: germline. Affected: yes.

Illumina Laboratory Services, Illumina
Classification: Benign for Pseudohypoaldosteronism, type IB1, autosomal recessive. Last evaluated: 2018-01-12. Review status: criteria provided, single submitter. Criteria: ICSL Variant Classification Criteria 13 December 2019. Collection method: clinical testing. Allele origin: germline.
Comment: This variant was observed in the ICSL laboratory as part of a predisposition screen in an ostensibly healthy population. It had not been previously curated by ICSL or reported in the Human Gene Mutation Database (HGMD: prior to June 1st, 2018), and was therefore a candidate for classification through an automated scoring system. Utilizing variant allele frequency, disease prevalence and penetrance estimates, and inheritance mode, an automated score was calculated to assess if this variant is too frequent to cause the disease. Based on the score and internal cut-off values, a variant classified as benign is not then subjected to further curation. The score for this variant resulted in a classification of benign for this disease.

Illumina Laboratory Services, Illumina
Classification: Benign for Liddle syndrome 2. Last evaluated: 2018-01-12. Review status: criteria provided, single submitter. Criteria: ICSL Variant Classification Criteria 13 December 2019. Collection method: clinical testing. Allele origin: germline.
Comment: the same text as in the submission from Illumina Laboratory Services, Illumina above.

Athena Diagnostics
Classification: Benign. Last evaluated: 2017-07-24. Review status: criteria provided, single submitter. Criteria: Athena Diagnostics Criteria. Collection method: clinical testing. Allele origin: germline.

Laboratory for Molecular Medicine, Mass General Brigham Personalized Medicine
Classification: Benign. Last evaluated: 2013-02-21. Review status: criteria provided, single submitter. Criteria: LMM Criteria. Collection method: clinical testing. Allele origin: germline. Observed: 35 variant alleles.
Comment: Leu649Leu in exon 13 of SCNN1G: This variant is not expected to have clinical si gnificance because it does not alter an amino acid residue and is not located wi thin the splice consensus sequence. It has been identified in 25.2% (1107/4390) of African American chromosomes from a broad population by the NHLBI Exome Seque ncing Project (dbSNP rs5723).

Breakthrough Genomics
Classification: Benign. Review status: criteria provided, single submitter. Criteria: ACMG Guidelines, 2015. Collection method: not provided. Allele origin: germline. Inheritance: Autosomal dominant inheritance. Affected: yes.

PreventionGenetics, part of Exact Sciences
Classification: Benign. Review status: criteria provided, single submitter. Criteria: ACMG Guidelines, 2015. Collection method: clinical testing. Allele origin: germline.

Diagnostic Laboratory, Department of Genetics, University Medical Center Groningen
Classification: Benign. Review status: no assertion criteria provided. Collection method: clinical testing. Allele origin: germline. Affected: yes. Study: VKGL Data-share Consensus. Not counted in ClinVar's aggregate classification.

Joint Genome Diagnostic Labs from Nijmegen and Maastricht, Radboudumc and MUMC+
Classification: Benign. Review status: no assertion criteria provided. Collection method: clinical testing. Allele origin: germline. Affected: yes. Study: VKGL Data-share Consensus. Not counted in ClinVar's aggregate classification.